The following is an entry in ClinVar:

NM_004525.3(LRP2):c.5826G>A (p.Val1942=)

Gene: LRP2 (LDL receptor related protein 2; minus strand). Cytogenetic location: 2q31.1.
Variant type: single nucleotide variant.
Coding change: c.5826G>A on transcript NM_004525.3 (MANE Select); coding-DNA position 5826, G replaced by A.
Protein change: p.Val1942=; no amino-acid change (valine 1942 retained).
Molecular consequence: synonymous variant.
Genome position (GRCh38, 1-based): chr2:169,216,253, C>T on the plus strand (G>A on the coding strand, the complement: LRP2 is on the minus strand). VCF-style: chr2-169216253-C-T. GRCh37 (hg19) VCF-style: chr2-170072763-C-T.
Identifiers: ClinVar variation 3613585 (VCV003613585.4).

ClinVar aggregate classification (germline): Uncertain significance. Review status: criteria provided, multiple submitters, no conflicts (2 of 4 stars). 2 submissions from 2 submitters: Uncertain significance (2). Last evaluated 2025-10-03.

Conditions:
Donnai-Barrow syndrome. Also called: DBS/FOAR SYNDROME; FACIOOCULOACOUSTICORENAL SYNDROME. Identifiers: Orphanet 2143, MedGen C1857277, MONDO:0009104, OMIM 222448.

gnomAD v4.1: 18 of 1,613,186 alleles (0.0011%); highest among the groups gnomAD compares: East Asian, 0.038%; no homozygotes.

Submissions (2):

Labcorp Genetics (formerly Invitae), Labcorp
Classification: Uncertain significance. Last evaluated: 2025-10-03. Review status: criteria provided, single submitter. Criteria: Invitae Variant Classification Sherloc (09022015). Collection method: clinical testing. Allele origin: germline.
Comment: This sequence change affects codon 1942 of the LRP2 mRNA. It is a 'silent' change, meaning that it does not change the encoded amino acid sequence of the LRP2 protein. This variant also falls at the last nucleotide of exon 35, which is part of the consensus splice site for this exon. This variant is present in population databases (rs771625747, gnomAD 0.04%). This variant has not been reported in the literature in individuals affected with LRP2-related conditions. ClinVar contains an entry for this variant (Variation ID: 3613585). Variants that disrupt the consensus splice site are a relatively common cause of aberrant splicing (PMID: 17576681, 9536098). Algorithms developed to predict the effect of sequence changes on RNA splicing suggest that this variant may disrupt the consensus splice site. In summary, the available evidence is currently insufficient to determine the role of this variant in disease. Therefore, it has been classified as a Variant of Uncertain Significance.

Juno Genomics, Hangzhou Juno Genomics, Inc
Classification: Uncertain significance for Donnai-Barrow syndrome. Review status: criteria provided, single submitter. Criteria: ACMG Guidelines, 2015. Collection method: clinical testing. Allele origin: germline.
Comment: Absent from controls (or at extremely low frequency if recessive) in Genome Aggregation Database.;Multiple lines of computational evidence support a deleterious effect on the gene or gene product.

Literature cited by the submitters: PubMed 17576681 (cited by Labcorp Genetics (formerly Invitae), Labcorp); PubMed 9536098 (cited by Labcorp Genetics (formerly Invitae), Labcorp).